The following is an entry in ClinVar:

ClinVar aggregate classification (germline): Likely pathogenic (1 of 4 stars; one submission).

Conditions:
Charcot-Marie-Tooth disease type 4. Also called: Charcot-Marie-Tooth disease, type IV; Charcot-Marie-Tooth, Type 4. Identifiers: Orphanet 64749, MedGen C4082197, MONDO:0018995.

Submission:

Labcorp Genetics (formerly Invitae), Labcorp
Classification: Likely pathogenic for Charcot-Marie-Tooth disease type 4. Last evaluated: 2022-08-30. Review status: criteria provided, single submitter. Criteria: Invitae Variant Classification Sherloc (09022015). Collection method: clinical testing. Allele origin: germline.
Comment: In summary, the currently available evidence indicates that the variant is pathogenic, but additional data are needed to prove that conclusively. Therefore, this variant has been classified as Likely Pathogenic. This variant has not been reported in the literature in individuals affected with FIG4-related conditions. This variant results in a copy number gain of the genomic region encompassing exon(s) 11-15 of the FIG4 gene. While the exact position of this variant cannot be determined from the data, sub-genic copy number gains are generally in tandem (PMID: 25640679). This variant is predicted to be out-of-frame, and may result in an absent or disrupted protein product. Loss-of-function variants in FIG4 are known to be pathogenic (PMID: 23623387).

Literature cited by the submitters: PubMed 25640679; PubMed 23623387.

NC_000006.11:g.(?_110081433)_(110088118_?)dup

Gene: FIG4 (FIG4 phosphoinositide 5-phosphatase; plus strand). Cytogenetic location: 6q21.
Variant type: Duplication.
Identifiers: ClinVar variation 2425990 (VCV002425990.4).